The following is an entry in ClinVar:

ClinVar aggregate classification (germline): Pathogenic (1 of 4 stars; one submission).

Conditions:
Dyskeratosis congenita, autosomal dominant 2. Identifiers: MedGen C3151443, MONDO:0013521, OMIM 613989.
Idiopathic Pulmonary Fibrosis. Also called: Idiopathic fibrosing alveolitis, chronic form; idiopathic fibrosing alveolitis. Identifiers: Orphanet 2032, MedGen C1800706, MeSH D054990, MONDO:0800504.

Submission:

Labcorp Genetics (formerly Invitae), Labcorp
Classification: Pathogenic for Dyskeratosis congenita, autosomal dominant 2; Idiopathic Pulmonary Fibrosis. Last evaluated: 2023-03-07. Review status: criteria provided, single submitter. Criteria: Invitae Variant Classification Sherloc (09022015). Collection method: clinical testing. Allele origin: germline.
Comment: For these reasons, this variant has been classified as Pathogenic. ClinVar contains an entry for this variant (Variation ID: 1075528). This variant has not been reported in the literature in individuals affected with TERT-related conditions. This variant is not present in population databases (gnomAD no frequency). This sequence change creates a premature translational stop signal (p.Leu1079Cysfs*4) in the TERT gene. It is expected to result in an absent or disrupted protein product. Loss-of-function variants in TERT are known to be pathogenic (PMID: 16247010, 17460043).

Literature cited by the submitters: PubMed 16247010; PubMed 17460043.

NM_198253.3(TERT):c.3235del (p.Leu1079fs)

Gene: TERT (telomerase reverse transcriptase; minus strand). Cytogenetic location: 5p15.33.
Variant type: Deletion.
Coding change: c.3235del on transcript NM_198253.3 (MANE Select); coding-DNA position 3235, one base deleted (C; older notation c.3235delC).
Protein change: p.Leu1079fs; shifts the reading frame from leucine 1079.
Molecular consequence: frameshift variant. On other transcripts: non-coding transcript variant (2).
Genome position (GRCh38, 1-based): chr5:1,254,428, G deleted on the plus strand (C on the coding strand, the reverse complement: TERT is on the minus strand); the first of 2 consecutive G bases (chr5:1,254,428-1,254,429); deleting either gives the same sequence. VCF-style (leftmost placement, unchanged base first): chr5-1254427-AG-A. GRCh37 (hg19) VCF-style: chr5-1254542-AG-A.
Other names: c.3046del, p.Leu1016fs (NM_001193376.3); short protein forms L1016fs, L1079fs.
Identifiers: ClinVar variation 1075528 (VCV001075528.7), dbSNP rs1270172263, ClinGen allele CA803273890.
Genomic context (GRCh38, chr5:1,254,427, plus strand): 5'-CCTGTCCTGAGTGACCCCAGGAGTGGCACGTAGGTGACACGGTGTCGAGTCAGCTTGAGC[AG>A]GAATGCTTGGTGGCACAGCCACTGCACGGCCTCGGAGGGCAGAGGGCCGGCGGCGCCCTT-3'